The following is an entry in ClinVar:

NM_194302.4(CFAP65):c.2284C>T (p.Arg762Ter)

Gene: CFAP65 (cilia and flagella associated protein 65; minus strand). Cytogenetic location: 2q35.
Variant type: single nucleotide variant.
Coding change: c.2284C>T on transcript NM_194302.4 (MANE Select); coding-DNA position 2284, C replaced by T.
Protein change: p.Arg762Ter; replaces arginine 762 with a stop codon.
Molecular consequence: nonsense.
Genome position (GRCh38, 1-based): chr2:219,026,087, G>A on the plus strand (C>T on the coding strand, the complement: CFAP65 is on the minus strand). VCF-style: chr2-219026087-G-A. GRCh37 (hg19) VCF-style: chr2-219890809-G-A.
Other names: short protein forms R762*.
Identifiers: ClinVar variation 694535 (VCV000694535.3), dbSNP rs756973049, ClinGen allele CA2115690.

ClinVar aggregate classification (germline): Pathogenic. Review status: criteria provided, single submitter (1 of 4 stars). 2 submissions from 2 submitters: Pathogenic (1). 1 of the submissions does not count toward it.

Conditions:
Spermatogenic failure 40. Identifiers: MedGen C5231451, MONDO:0032859, OMIM 618664.

Allele frequency attached by ClinVar (database versions not stated): gnomAD exomes 0.00001; ExAC 0.00002; gnomAD 0.00003; TOPMed 0.00003.
gnomAD v4.1: 23 of 1,613,982 alleles (0.0014%); highest among the groups gnomAD compares: South Asian, 0.0066%; no homozygotes.

Submissions (2):

Juno Genomics, Hangzhou Juno Genomics, Inc
Classification: Pathogenic for Spermatogenic failure 40. Review status: criteria provided, single submitter. Criteria: ACMG Guidelines, 2015. Collection method: clinical testing. Allele origin: germline.
Comment: Absent from controls (or at extremely low frequency if recessive) in Genome Aggregation Database.;Null variant in a gene where loss of function (LOF) is a known mechanism of disease.;For recessive disorders, detected in trans with a pathogenic variant.

OMIM
Classification: Pathogenic for SPERMATOGENIC FAILURE 40. Last evaluated: 2019-11-20. Review status: no assertion criteria provided. Collection method: literature only. Allele origin: germline. Not counted in ClinVar's aggregate classification.

Literature cited by the submitters: PubMed 31413122 (cited by OMIM).